The following is an entry in ClinVar:

NC_000014.8:g.(?_67635630)_(67635773_?)del

Gene: GPHN (gephyrin; plus strand). Cytogenetic location: 14q23.3.
Variant type: Deletion.
Identifiers: ClinVar variation 2426603 (VCV002426603.4).

ClinVar aggregate classification (germline): Pathogenic (1 of 4 stars; one submission).

Conditions:
Sulfite oxidase deficiency due to molybdenum cofactor deficiency type C. Also called: Molybdenum cofactor deficiency, complementation group C; Molybdenum cofactor deficiency C. Identifiers: Orphanet 308400, Orphanet 833, MedGen C1854990, MONDO:0014212, OMIM 615501.

Submission:

Labcorp Genetics (formerly Invitae), Labcorp
Classification: Pathogenic for Sulfite oxidase deficiency due to molybdenum cofactor deficiency type C. Last evaluated: 2022-06-09. Review status: criteria provided, single submitter. Criteria: Invitae Variant Classification Sherloc (09022015). Collection method: clinical testing. Allele origin: germline.
Comment: For these reasons, this variant has been classified as Pathogenic. This variant has not been reported in the literature in individuals affected with GPHN-related conditions. This variant is a gross deletion of the genomic region encompassing exon(s) 21 of the GPHN gene. This deletion is out-of-frame, and is expected to create a premature termination codon and result in an absent or disrupted protein product. Loss-of-function variants in GPHN are known to be pathogenic (PMID: 11095995, 23184456, 23393157).

Literature cited by the submitters: PubMed 11095995; PubMed 23184456; PubMed 23393157.